The following is an entry in ClinVar:

NM_000051.4(ATM):c.2819A>T (p.Lys940Ile)

Gene: ATM (ATM serine/threonine kinase; plus strand). Cytogenetic location: 11q22.3.
Variant type: single nucleotide variant.
Coding change: c.2819A>T on transcript NM_000051.4 (MANE Select); coding-DNA position 2819, A replaced by T.
Protein change: p.Lys940Ile; replaces lysine 940 with isoleucine.
Molecular consequence: missense variant.
Genome position (GRCh38, 1-based): chr11:108,268,590, A>T. VCF-style: chr11-108268590-A-T. GRCh37 (hg19) VCF-style: chr11-108139317-A-T.
Other names: c.2819A>T, p.Lys940Ile (NM_001351834.2); short protein forms K940I.
Identifiers: ClinVar variation 482587 (VCV000482587.27), dbSNP rs762078586, ClinGen allele CA6265116.

ClinVar aggregate classification (germline): Uncertain significance. Review status: criteria provided, multiple submitters, no conflicts (2 of 4 stars). 8 submissions from 8 submitters: Uncertain significance (7). 1 of the submissions does not count toward it. Last evaluated 2026-01-06.

Conditions:
Hereditary cancer-predisposing syndrome. Also called: Hereditary neoplastic syndrome; Neoplastic Syndromes, Hereditary; Tumor predisposition; Hereditary Cancer Syndrome. Identifiers: Orphanet 140162, MedGen C0027672, MeSH D009386, MONDO:0015356.
Familial cancer of breast. Also called: BREAST CANCER, FAMILIAL; Hereditary breast cancer; hereditary breast carcinoma. Identifiers: Orphanet 227535, MedGen C0346153, MONDO:0016419, OMIM 114480. Disease mechanism: loss of function.
Ataxia-telangiectasia syndrome (AT). Also called: LOUIS-BAR SYNDROME; Cerebello-oculocutaneous telangiectasia; Immunodeficiency with ataxia telangiectasia; AT, COMPLEMENTATION GROUP C; Ataxia-telangiectasia, complementation group D; ATAXIA-TELANGIECTASIA, COMPLEMENTATION GROUP A. Identifiers: Orphanet 100, MedGen C0004135, MONDO:0008840, OMIM 208900.

Allele frequency attached by ClinVar (database versions not stated): TOPMed 0.00002.
gnomAD v4.1: 3 of 1,614,012 alleles (0.00019%); highest among the groups gnomAD compares: African/African-American, 0.0027%; no homozygotes.

Submissions (8):

Labcorp Genetics (formerly Invitae), Labcorp
Classification: Uncertain significance for Ataxia-telangiectasia syndrome. Last evaluated: 2026-01-06. Review status: criteria provided, single submitter. Criteria: Invitae Variant Classification Sherloc (09022015). Collection method: clinical testing. Allele origin: germline.
Comment: This sequence change replaces lysine, which is basic and polar, with isoleucine, which is neutral and non-polar, at codon 940 of the ATM protein (p.Lys940Ile). This variant is present in population databases (rs762078586, gnomAD 0.007%). This variant has not been reported in the literature in individuals affected with ATM-related conditions. ClinVar contains an entry for this variant (Variation ID: 482587). Invitae Evidence Modeling of protein sequence and biophysical properties (such as structural, functional, and spatial information, amino acid conservation, physicochemical variation, residue mobility, and thermodynamic stability) indicates that this missense variant is not expected to disrupt ATM protein function with a negative predictive value of 95%. In summary, the available evidence is currently insufficient to determine the role of this variant in disease. Therefore, it has been classified as a Variant of Uncertain Significance.

GeneDx
Classification: Uncertain significance. Last evaluated: 2024-11-05. Review status: criteria provided, single submitter. Criteria: GeneDx Variant Classification Process June 2021. Collection method: clinical testing. Allele origin: germline. Affected: yes.
Comment: Not observed at significant frequency in large population cohorts (gnomAD); In silico analysis supports that this missense variant has a deleterious effect on protein structure/function; Has not been previously published as pathogenic or benign to our knowledge

Ambry Genetics
Classification: Uncertain significance for Hereditary cancer-predisposing syndrome. Last evaluated: 2024-05-31. Review status: criteria provided, single submitter. Criteria: Ambry Variant Classification Scheme 2023. Collection method: clinical testing. Allele origin: germline.
Comment: The p.K940I variant (also known as c.2819A>T), located in coding exon 17 of the ATM gene, results from an A to T substitution at nucleotide position 2819. The lysine at codon 940 is replaced by isoleucine, an amino acid with dissimilar properties. This amino acid position is highly conserved in available vertebrate species. In addition, the in silico prediction for this alteration is inconclusive. Based on the available evidence, the clinical significance of this variant remains unclear.

Color Diagnostics, LLC DBA Color Health
Classification: Uncertain significance for Hereditary cancer-predisposing syndrome. Last evaluated: 2024-03-06. Review status: criteria provided, single submitter. Criteria: ACMG Guidelines, 2015. Collection method: clinical testing. Allele origin: germline.
Comment: This missense variant replaces lysine with isoleucine at codon 940 of the ATM protein. Computational prediction suggests that this variant may not impact protein structure and function (internally defined REVEL score threshold <= 0.5, PMID: 27666373). To our knowledge, functional studies have not been reported for this variant. This variant has not been reported in individuals affected with ATM-related disorders in the literature. This variant has been identified in 2/251380 chromosomes in the general population by the Genome Aggregation Database (gnomAD). The available evidence is insufficient to determine the role of this variant in disease conclusively. Therefore, this variant is classified as a Variant of Uncertain Significance.

Baylor Genetics
Classification: Uncertain significance for Familial cancer of breast. Last evaluated: 2023-12-05. Review status: criteria provided, single submitter. Criteria: ACMG Guidelines, 2015. Collection method: clinical testing. Allele origin: unknown.

Women's Health and Genetics/Laboratory Corporation of America, LabCorp
Classification: Uncertain significance. Last evaluated: 2023-03-20. Review status: criteria provided, single submitter. Criteria: LabCorp Variant Classification Summary - May 2015. Collection method: clinical testing. Allele origin: germline.

Sema4
Classification: Uncertain significance for Hereditary cancer-predisposing syndrome. Last evaluated: 2021-10-19. Review status: criteria provided, single submitter. Criteria: Sema4 Curation Guidelines. Collection method: curation. Allele origin: germline.
Comment: The ATM c.2819A>T (p.K940I) variant has not been reported in the literature to our knowledge. It was observed in 2/16256 chromosomes of the African/African American subpopulation in the large and broad cohorts of the Genome Aggregation Database (PMID: 32461654). The variant has been reported in ClinVar (Variation ID 482587). Functional studies have not been performed, and in silico predictions of the variant's effect on protein function are inconclusive. The evidence is insufficient to meet ACMG/AMP criteria for classifying the variant as benign or pathogenic. Thus, the clinical significance of this variant is currently uncertain.

Natera, Inc.
Classification: Uncertain significance for Ataxia-telangiectasia. Last evaluated: 2020-08-19. Review status: no assertion criteria provided. Collection method: clinical testing. Allele origin: germline. Not counted in ClinVar's aggregate classification.